The following is an entry in ClinVar:

NM_003482.4(KMT2D):c.11386C>T (p.Gln3796Ter)

Gene: KMT2D (lysine methyltransferase 2D; minus strand). Cytogenetic location: 12q13.12.
Variant type: single nucleotide variant.
Coding change: c.11386C>T on transcript NM_003482.4 (MANE Select); coding-DNA position 11386, C replaced by T.
Protein change: p.Gln3796Ter; replaces glutamine 3796 with a stop codon.
Molecular consequence: nonsense.
Genome position (GRCh38, 1-based): chr12:49,033,319, G>A on the plus strand (C>T on the coding strand, the complement: KMT2D is on the minus strand). VCF-style: chr12-49033319-G-A. GRCh37 (hg19) VCF-style: chr12-49427102-G-A.
Other names: short protein forms Q3796*.
Identifiers: ClinVar variation 4850173 (VCV004850173.1).

ClinVar aggregate classification (germline): Pathogenic (1 of 4 stars; one submission).

Conditions:
Kabuki syndrome 1 (KABUK1). Also called: KMT2D-Related Kabuki Syndrome. Identifiers: Orphanet 2322, MedGen CN030661, MONDO:0007843, OMIM 147920.

Submission:

Variantyx, Inc.
Classification: Pathogenic for Kabuki syndrome 1. Last evaluated: 2026-01-06. Review status: criteria provided, single submitter. Criteria: Variantyx Assertion Criteria 2022. Collection method: clinical testing. Allele origin: de novo. Inheritance: Autosomal dominant inheritance. Affected: yes.
Comment: This is a nonsense variant in the KMT2D gene (OMIM: 602113). Pathogenic variants in this gene have been associated with autosomal dominant Kabuki syndrome 1. It introduces a premature termination codon in exon 40 out of 55 and is expected to result in loss of function, which is a known disease mechanism for KMT2D in this disorder (PMID: 21607748, 21671394, 20711175) (PVS1). This variant has been reported in at least one affected individual (PMID: 37815018) (PS4) but it is absent from control populations (PM2). Based on the current evidence, this variant is classified as pathogenic for autosomal dominant Kabuki syndrome 1.

Literature cited by the submitters: PubMed 21607748; PubMed 21671394; PubMed 20711175; PubMed 37815018.